The following is an entry in ClinVar:

ClinVar aggregate classification (germline): Uncertain significance (1 of 4 stars; one submission).

Conditions:
Spastic paraplegia. Identifiers: MedGen C0037772, HP:0001258.

Submission:

Labcorp Genetics (formerly Invitae), Labcorp
Classification: Uncertain significance for Spastic paraplegia. Last evaluated: 2022-07-25. Review status: criteria provided, single submitter. Criteria: Invitae Variant Classification Sherloc (09022015). Collection method: clinical testing. Allele origin: germline.
Comment: This sequence change replaces tyrosine, which is neutral and polar, with phenylalanine, which is neutral and non-polar, at codon 289 of the B4GALNT1 protein (p.Tyr289Phe). This variant is not present in population databases (gnomAD no frequency). This variant has not been reported in the literature in individuals affected with B4GALNT1-related conditions. Algorithms developed to predict the effect of missense changes on protein structure and function are either unavailable or do not agree on the potential impact of this missense change (SIFT: "Deleterious"; PolyPhen-2: "Probably Damaging"; Align-GVGD: "Class C0"). In summary, the available evidence is currently insufficient to determine the role of this variant in disease. Therefore, it has been classified as a Variant of Uncertain Significance.

NM_001478.5(B4GALNT1):c.866A>T (p.Tyr289Phe)

Gene: B4GALNT1 (beta-1,4-N-acetyl-galactosaminyltransferase 1; minus strand). Cytogenetic location: 12q13.3.
Variant type: single nucleotide variant.
Coding change: c.866A>T on transcript NM_001478.5 (MANE Select); coding-DNA position 866, A replaced by T.
Protein change: p.Tyr289Phe; replaces tyrosine 289 with phenylalanine.
Molecular consequence: missense variant.
Genome position (GRCh38, 1-based): chr12:57,628,849, T>A on the plus strand (A>T on the coding strand, the complement: B4GALNT1 is on the minus strand). VCF-style: chr12-57628849-T-A. GRCh37 (hg19) VCF-style: chr12-58022632-T-A.
Other names: c.701A>T, p.Tyr234Phe (NM_001276468.2); short protein forms Y234F, Y289F.
Identifiers: ClinVar variation 1714307 (VCV001714307.5), dbSNP rs2540658519, ClinGen allele CA385497138.